The following is an entry in ClinVar:

NM_002253.4(KDR):c.3314C>T (p.Pro1105Leu)

Gene: KDR (kinase insert domain receptor; minus strand). Cytogenetic location: 4q12.
Variant type: single nucleotide variant.
Coding change: c.3314C>T on transcript NM_002253.4 (MANE Select); coding-DNA position 3314, C replaced by T.
Protein change: p.Pro1105Leu; replaces proline 1105 with leucine.
Molecular consequence: missense variant.
Genome position (GRCh38, 1-based): chr4:55,089,464, G>A on the plus strand (C>T on the coding strand, the complement: KDR is on the minus strand). VCF-style: chr4-55089464-G-A. GRCh37 (hg19) VCF-style: chr4-55955631-G-A.
Other names: short protein forms P1105L.
Identifiers: ClinVar variation 4075508 (VCV004075508.1).

ClinVar aggregate classification (germline): Uncertain significance (1 of 4 stars; one submission).

Submission:

GeneDx
Classification: Uncertain significance. Last evaluated: 2023-06-06. Review status: criteria provided, single submitter. Criteria: GeneDx Variant Classification Process June 2021. Collection method: clinical testing. Allele origin: germline. Affected: yes.
Comment: Not observed at significant frequency in large population cohorts (gnomAD); In silico analysis supports that this missense variant has a deleterious effect on protein structure/function; Has not been previously published as pathogenic or benign to our knowledge; Variants in candidate genes are classified as variants of uncertain significance in accordance with ACMG guidelines (Richards et al., 2015)